The following is an entry in ClinVar:

ClinVar aggregate classification (germline): Likely benign. Review status: criteria provided, multiple submitters, no conflicts (2 of 4 stars). 7 submissions from 4 submitters: Likely benign (7). Last evaluated 2024-08-12.

Conditions:
Malignant hyperthermia, susceptibility to, 5 (MHS5). Also called: CACNA1S-Related Malignant Hyperthermia Susceptibility. Identifiers: Orphanet 423, MedGen C1866077, MONDO:0011163, OMIM 601887.
Hypokalemic periodic paralysis, type 1. Also called: HypoPP; Hypokalemic Periodic Paralysis Type 1 (AD). Identifiers: Orphanet 681, MedGen C3714580, MONDO:0042979, OMIM 170400.
Congenital myopathy 18. Also called: Myopathy, congenital, due to dihydropyridine receptor defect; DIHYDROPYRIDINE RECEPTOR CONGENITAL MYOPATHY; DHPR CONGENITAL MYOPATHY. Identifiers: MedGen C5830283, MONDO:0859514, OMIM 620246.
Thyrotoxic periodic paralysis, susceptibility to, 1 (TTPP1). Identifiers: Orphanet 79102, MedGen C2749982, MONDO:0008570, OMIM 188580.

Allele frequency attached by ClinVar (database versions not stated): 1000 Genomes Project 30x 0.00016.
gnomAD v4.1: 47 of 1,609,552 alleles (0.0029%); highest among the groups gnomAD compares: Admixed American, 0.028%; no homozygotes.

Submissions (7):

Labcorp Genetics (formerly Invitae), Labcorp
Classification: Likely benign for Hypokalemic periodic paralysis, type 1; Malignant hyperthermia, susceptibility to, 5. Last evaluated: 2024-08-12. Review status: criteria provided, single submitter. Criteria: Invitae Variant Classification Sherloc (09022015). Collection method: clinical testing. Allele origin: germline.

Blueprint Genetics
Classification: Likely benign. Last evaluated: 2024-07-17. Review status: criteria provided, single submitter. Criteria: ACMG Guidelines, 2015. Collection method: clinical testing. Allele origin: germline.

Genome-Nilou Lab
Classification: Likely benign for Malignant hyperthermia, susceptibility to, 5. Last evaluated: 2023-04-11. Review status: criteria provided, single submitter. Criteria: ACMG Guidelines, 2015. Collection method: clinical testing. Allele origin: germline. Affected: no.

Genome-Nilou Lab
Classification: Likely benign for Thyrotoxic periodic paralysis, susceptibility to, 1. Last evaluated: 2023-04-11. Review status: criteria provided, single submitter. Criteria: ACMG Guidelines, 2015. Collection method: clinical testing. Allele origin: germline. Affected: no.

Genome-Nilou Lab
Classification: Likely benign for Congenital myopathy 18. Last evaluated: 2023-04-11. Review status: criteria provided, single submitter. Criteria: ACMG Guidelines, 2015. Collection method: clinical testing. Allele origin: germline. Affected: no.

Genome-Nilou Lab
Classification: Likely benign for Hypokalemic periodic paralysis, type 1. Last evaluated: 2023-04-11. Review status: criteria provided, single submitter. Criteria: ACMG Guidelines, 2015. Collection method: clinical testing. Allele origin: germline. Affected: no.

GeneDx
Classification: Likely benign. Last evaluated: 2017-12-19. Review status: criteria provided, single submitter. Criteria: GeneDx Variant Classification (06012015). Collection method: clinical testing. Allele origin: germline. Affected: yes.
Comment: This variant is considered likely benign or benign based on one or more of the following criteria: it is a conservative change, it occurs at a poorly conserved position in the protein, it is predicted to be benign by multiple in silico algorithms, and/or has population frequency not consistent with disease.

NM_000069.3(CACNA1S):c.152+17G>A

Gene: CACNA1S (calcium voltage-gated channel subunit alpha1 S; minus strand). Cytogenetic location: 1q32.1.
Variant type: single nucleotide variant.
Coding change: c.152+17G>A on transcript NM_000069.3 (MANE Select); 17 bases into the intron after coding-DNA position 152, G replaced by A.
Molecular consequence: intron variant.
Genome position (GRCh38, 1-based): chr1:201,112,171, C>T on the plus strand (G>A on the coding strand, the complement: CACNA1S is on the minus strand). VCF-style: chr1-201112171-C-T. GRCh37 (hg19) VCF-style: chr1-201081299-C-T.
Identifiers: ClinVar variation 514056 (VCV000514056.8), dbSNP rs113558244, ClinGen allele CA078291.